The following is an entry in ClinVar:

ClinVar aggregate classification (germline): Pathogenic (1 of 4 stars; one submission).

Conditions:
VPS13A-related neurodegenerative disease. Also called: ACANTHOCYTOSIS WITH NEUROLOGIC DISORDER; LEVINE-CRITCHLEY SYNDROME; Choreoacanthocytosis; Chorea-acanthocytosis; Choreaacanthocytosis; VPS13A Disease. Identifiers: Orphanet 2388, MedGen C0393576, MONDO:0008695, OMIM 200150.

Submission:

Myriad Genetics, Inc.
Classification: Pathogenic for VPS13A-related neurodegenerative disease. Last evaluated: 2023-09-27. Review status: criteria provided, single submitter. Criteria: Myriad Autosomal Dominant, Autosomal Recessive and X-Linked Classification Criteria (2023). Collection method: clinical testing. Allele origin: unknown.
Comment: NM_033305.2(VPS13A):c.6394dupG(V2132Gfs*6) is expected to be pathogenic in the context of VPS13A disease. This variant is predicted to lead to an abnormal or absent protein product due to the creation of a premature termination codon in VPS13A, a gene where loss-of-function variants are known to be pathogenic. Please note: this variant was assessed in the context of healthy population screening.

NM_033305.3(VPS13A):c.6394dup (p.Val2132fs)

Gene: VPS13A (vacuolar protein sorting 13 homolog A; plus strand). Cytogenetic location: 9q21.2.
Variant type: Duplication.
Coding change: c.6394dup on transcript NM_033305.3 (MANE Select); coding-DNA position 6394, one base duplicated (G; older notation c.6394dupG).
Protein change: p.Val2132fs; shifts the reading frame from valine 2132.
Molecular consequence: frameshift variant.
Genome position (GRCh38, 1-based): chr9:77,339,531, G duplicated; the last of 2 consecutive G bases (chr9:77,339,530-77,339,531); duplicating either gives the same sequence. VCF-style (leftmost placement, unchanged base first): chr9-77339529-C-CG. GRCh37 (hg19) VCF-style: chr9-79954445-C-CG.
Other names: c.6277dup, p.Val2093fs (NM_001018037.2); c.6394dup, p.Val2132fs (NM_001018038.3, NM_015186.4); short protein forms V2093fs, V2132fs.
Identifiers: ClinVar variation 5012029 (VCV005012029.1).